The following is an entry in ClinVar:

NM_024422.6(DSC2):c.776G>A (p.Gly259Asp)

Gene: DSC2 (desmocollin 2; minus strand). Cytogenetic location: 18q12.1.
Variant type: single nucleotide variant.
Coding change: c.776G>A on transcript NM_024422.6 (MANE Select); coding-DNA position 776, G replaced by A.
Protein change: p.Gly259Asp; replaces glycine 259 with aspartic acid.
Molecular consequence: missense variant.
Genome position (GRCh38, 1-based): chr18:31,086,742, C>T on the plus strand (G>A on the coding strand, the complement: DSC2 is on the minus strand). VCF-style: chr18-31086742-C-T. GRCh37 (hg19) VCF-style: chr18-28666705-C-T.
Other names: c.776G>A, p.Gly259Asp (NM_004949.5); short protein forms G259D.
Identifiers: ClinVar variation 1015314 (VCV001015314.11), dbSNP rs1335645459, ClinGen allele CA402112398.

ClinVar aggregate classification (germline): Uncertain significance. Review status: criteria provided, multiple submitters, no conflicts (2 of 4 stars). 3 submissions from 3 submitters: Uncertain significance (3). Last evaluated 2024-12-04.

Conditions:
Arrhythmogenic right ventricular dysplasia 11. Also called: Arrhythmogenic Right Ventricular Dysplasia/Cardiomyopathy11; ARRHYTHMOGENIC RIGHT VENTRICULAR DYSPLASIA, FAMILIAL, 11; Arrhythmogenic right ventricular dysplasia 11 with mild palmoplantar keratoderma and woolly hair. Identifiers: MedGen C1864850, MONDO:0012506, OMIM 610476.
Familial isolated arrhythmogenic right ventricular dysplasia. Identifiers: Orphanet 217656, MedGen C4274968, MONDO:0016342.
Cardiovascular phenotype. Identifiers: MedGen CN230736.

Allele frequency attached by ClinVar (database versions not stated): gnomAD exomes below 0.00001; TOPMed 0.00002; gnomAD 0.00001.
gnomAD v4.1: 3 of 1,613,682 alleles (0.00019%); highest among the groups gnomAD compares: African/African-American, 0.004%; no homozygotes.

Submissions (3):

Labcorp Genetics (formerly Invitae), Labcorp
Classification: Uncertain significance for Arrhythmogenic right ventricular dysplasia 11. Last evaluated: 2024-12-04. Review status: criteria provided, single submitter. Criteria: Invitae Variant Classification Sherloc (09022015). Collection method: clinical testing. Allele origin: germline.
Comment: This sequence change replaces glycine, which is neutral and non-polar, with aspartic acid, which is acidic and polar, at codon 259 of the DSC2 protein (p.Gly259Asp). This variant is present in population databases (no rsID available, gnomAD 0.008%). This variant has not been reported in the literature in individuals affected with DSC2-related conditions. ClinVar contains an entry for this variant (Variation ID: 1015314). An algorithm developed to predict the effect of missense changes on protein structure and function (PolyPhen-2) suggests that this variant is likely to be disruptive. In summary, the available evidence is currently insufficient to determine the role of this variant in disease. Therefore, it has been classified as a Variant of Uncertain Significance.

All of Us Research Program, National Institutes of Health
Classification: Uncertain significance for Familial isolated arrhythmogenic right ventricular dysplasia. Last evaluated: 2023-10-02. Review status: criteria provided, single submitter. Criteria: ACMG Guidelines, 2015. Collection method: clinical testing. Allele origin: germline. Inheritance: Autosomal dominant inheritance. Observed: 1 variant allele, 1 heterozygote.
Comment: This missense variant replaces glycine with aspartic acid at codon 259 of the DSC2 protein. Computational prediction suggests that this variant may have deleterious impact on protein structure and function (internally defined REVEL score threshold >= 0.7, PMID: 27666373). To our knowledge, functional studies have not been reported for this variant. This variant has not been reported in individuals affected with cardiovascular disorders in the literature. This variant has been identified in 2/282208 chromosomes in the general population by the Genome Aggregation Database (gnomAD). The available evidence is insufficient to determine the role of this variant in disease conclusively. Therefore, this variant is classified as a Variant of Uncertain Significance.

This study involves interpretation of variants in research participants for the purpose of population health screening. Participant phenotype was not available at the time of variant classification. Additional details can be found in publication PMID: 35346344, PMCID: PMC8962531

Ambry Genetics
Classification: Uncertain significance for Cardiovascular phenotype. Last evaluated: 2022-05-30. Review status: criteria provided, single submitter. Criteria: Ambry Variant Classification Scheme 2023. Collection method: clinical testing. Allele origin: germline.
Comment: The p.G259D variant (also known as c.776G>A) is located in coding exon 7 of the DSC2 gene. The glycine at codon 259 is replaced by aspartic acid, an amino acid with similar properties. This change occurs in the first base pair of coding exon 7. This amino acid position is conserved. In addition, this alteration is predicted to be deleterious by in silico analysis. Since supporting evidence is limited at this time, the clinical significance of this alteration remains unclear.